The following is an entry in ClinVar:

NM_000059.4(BRCA2):c.8652T>G (p.Tyr2884Ter)

Gene: BRCA2 (BRCA2 DNA repair associated; plus strand). Cytogenetic location: 13q13.1.
Variant type: single nucleotide variant.
Coding change: c.8652T>G on transcript NM_000059.4 (MANE Select); coding-DNA position 8652, T replaced by G.
Protein change: p.Tyr2884Ter; replaces tyrosine 2884 with a stop codon.
Molecular consequence: nonsense.
Genome position (GRCh38, 1-based): chr13:32,376,689, T>G. VCF-style: chr13-32376689-T-G. GRCh37 (hg19) VCF-style: chr13-32950826-T-G.
Other names: 8880T>G; short protein forms Y2884*.
Identifiers: ClinVar variation 267102 (VCV000267102.5), dbSNP rs886040787, ClinGen allele CA10589512.

ClinVar aggregate classification (germline): Pathogenic. Review status: reviewed by expert panel (3 of 4 stars). 2 submissions from 2 submitters: Pathogenic (1). 1 of the submissions does not count toward it. Last evaluated 2016-10-18.

Conditions:
Breast-ovarian cancer, familial, susceptibility to, 2 (BROVCA2). Also called: BRCA2 Hereditary Breast and Ovarian Cancer. Identifiers: Orphanet 145, MedGen C2675520, MONDO:0012933, OMIM 612555. Disease mechanism: loss of function.

Submissions (2):

Evidence-based Network for the Interpretation of Germline Mutant Alleles (ENIGMA)
Classification: Pathogenic for Breast-ovarian cancer, familial, susceptibility to, 2. Last evaluated: 2016-10-18. Review status: reviewed by expert panel. Criteria: ENIGMA BRCA1/2 Classification Criteria (2015). Collection method: curation. Allele origin: germline.
Comment: Variant allele predicted to encode a truncated non-functional protein.

Consortium of Investigators of Modifiers of BRCA1/2 (CIMBA), c/o University of Cambridge
Classification: Pathogenic for Breast-ovarian cancer, familial, susceptibility to, 2. Last evaluated: 2015-10-02. Review status: criteria provided, single submitter. Criteria: CIMBA Mutation Classification guidelines May 2016. Collection method: clinical testing. Allele origin: germline. Not counted in ClinVar's aggregate classification.